The following is an entry in ClinVar:

NM_017514.5(PLXNA3):c.3169C>T (p.Arg1057Cys)

Gene: PLXNA3 (plexin A3; plus strand). Cytogenetic location: Xq28.
Variant type: single nucleotide variant.
Coding change: c.3169C>T on transcript NM_017514.5 (MANE Select); coding-DNA position 3169, C replaced by T.
Protein change: p.Arg1057Cys; replaces arginine 1057 with cysteine.
Molecular consequence: missense variant.
Genome position (GRCh38, 1-based): chrX:154,467,118, C>T. VCF-style: chrX-154467118-C-T. GRCh37 (hg19) VCF-style: chrX-153695461-C-T.
Other names: short protein forms R1057C.
Identifiers: ClinVar variation 4987667 (VCV004987667.1).
Genomic context (GRCh38, chrX:154,467,118, plus strand): 5'-GGAAGCACTGCCATCACTGTGAGTGGGACCCACCTGCTGACGGTCCAGGAGCCCCGGGTC[C>T]GTGCCAAGTACCGCGGCATTGAGACCACCAATGTGAGTACCAGCTGCCCCGCCCCACCCC-3'
Protein context (NP_059984.3, residues 1047-1067): HLLTVQEPRV[Arg1057Cys]AKYRGIETTN

ClinVar aggregate classification (germline): Uncertain significance (1 of 4 stars; one submission).

Conditions:
PLXNA3-related disorder. Also called: PLXNA3-related condition.

Submission:

PreventionGenetics, part of Exact Sciences
Classification: Uncertain significance for PLXNA3-related condition. Last evaluated: 2025-09-19. Review status: criteria provided, single submitter. Criteria: ACMG Guidelines, 2015. Collection method: clinical testing. Allele origin: germline.
Comment: The PLXNA3 c.3169C>T variant is predicted to result in the amino acid substitution p.Arg1057Cys. To our knowledge, this variant has not been reported in the literature or in a large population database (gnomAD), indicating this variant is rare. At this time, the clinical significance of this variant is uncertain due to the absence of conclusive functional and genetic evidence.